The following is an entry in ClinVar:

ClinVar aggregate classification (germline): Likely benign (1 of 4 stars; one submission).

Conditions:
CHD5-related disorder. Also called: CHD5-related condition.

gnomAD v4.1: 29 of 1,613,700 alleles (0.0018%); highest among the groups gnomAD compares: East Asian, 0.062%; no homozygotes.

Submission:

PreventionGenetics, part of Exact Sciences
Classification: Likely benign for CHD5-related condition. Last evaluated: 2025-03-06. Review status: criteria provided, single submitter. Criteria: ACMG Guidelines, 2015. Collection method: clinical testing. Allele origin: germline.
Comment: This variant is classified as likely benign based on ACMG/AMP sequence variant interpretation guidelines (Richards et al. 2015 PMID: 25741868, with internal and published modifications).

NM_015557.3(CHD5):c.4044G>A (p.Gln1348=)

Gene: CHD5 (chromodomain helicase DNA binding protein 5; minus strand). Cytogenetic location: 1p36.31.
Variant type: single nucleotide variant.
Coding change: c.4044G>A on transcript NM_015557.3 (MANE Select); coding-DNA position 4044, G replaced by A.
Protein change: p.Gln1348=; no amino-acid change (glutamine 1348 retained).
Molecular consequence: synonymous variant.
Genome position (GRCh38, 1-based): chr1:6,126,606, C>T on the plus strand (G>A on the coding strand, the complement: CHD5 is on the minus strand). VCF-style: chr1-6126606-C-T. GRCh37 (hg19) VCF-style: chr1-6186666-C-T.
Identifiers: ClinVar variation 4977987 (VCV004977987.1).